The following is an entry in ClinVar:

ClinVar aggregate classification (germline): Uncertain significance (1 of 4 stars; one submission).

Submission:

Labcorp Genetics (formerly Invitae), Labcorp
Classification: Uncertain significance. Last evaluated: 2025-11-27. Review status: criteria provided, single submitter. Criteria: Invitae Variant Classification Sherloc (09022015). Collection method: clinical testing. Allele origin: germline.
Comment: This sequence change replaces glutamic acid, which is acidic and polar, with valine, which is neutral and non-polar, at codon 1358 of the COL4A1 protein (p.Glu1358Val). This variant is not present in population databases (gnomAD no frequency). This variant has not been reported in the literature in individuals affected with COL4A1-related conditions. Invitae Evidence Modeling of protein sequence and biophysical properties (such as structural, functional, and spatial information, amino acid conservation, physicochemical variation, residue mobility, and thermodynamic stability) indicates that this missense variant is not expected to disrupt COL4A1 protein function with a negative predictive value of 95%. In summary, the available evidence is currently insufficient to determine the role of this variant in disease. Therefore, it has been classified as a Variant of Uncertain Significance.

NM_001845.6(COL4A1):c.4073A>T (p.Glu1358Val)

Gene: COL4A1 (collagen type IV alpha 1 chain; minus strand). Cytogenetic location: 13q34.
Variant type: single nucleotide variant.
Coding change: c.4073A>T on transcript NM_001845.6 (MANE Select); coding-DNA position 4073, A replaced by T.
Protein change: p.Glu1358Val; replaces glutamic acid 1358 with valine.
Molecular consequence: missense variant.
Genome position (GRCh38, 1-based): chr13:110,164,939, T>A on the plus strand (A>T on the coding strand, the complement: COL4A1 is on the minus strand). VCF-style: chr13-110164939-T-A. GRCh37 (hg19) VCF-style: chr13-110817286-T-A.
Other names: short protein forms E1358V.
Identifiers: ClinVar variation 4776880 (VCV004776880.1).